The following is an entry in ClinVar:

ClinVar aggregate classification (germline): Likely benign. Review status: criteria provided, multiple submitters, no conflicts (2 of 4 stars). 3 submissions from 3 submitters: Likely benign (3). Last evaluated 2026-03-30.

Conditions:
Hereditary breast ovarian cancer syndrome. Also called: Hereditary breast and ovarian cancer syndrome; Hereditary breast and ovarian cancer syndrome (HBOC); Hereditary breast and ovarian cancer; BRCA1- and BRCA2-Associated Hereditary Breast and Ovarian Cancer; Hereditary breast and/or ovarian cancer syndrome; Breast and ovarian cancer. Identifiers: Orphanet 145, MedGen C0677776, MeSH D061325, MONDO:0003582. Disease mechanism: loss of function.
Hereditary cancer-predisposing syndrome. Also called: Hereditary Cancer Syndrome; Hereditary neoplastic syndrome; Tumor predisposition; Neoplastic Syndromes, Hereditary. Identifiers: Orphanet 140162, MedGen C0027672, MeSH D009386, MONDO:0015356.

Allele frequency attached by ClinVar (database versions not stated): gnomAD 0.00001; TOPMed below 0.00001.
gnomAD v4.1: 1 of 1,605,342 alleles (0.000062%); highest among the groups gnomAD compares: Non-Finnish European, 0.000085%; no homozygotes.

Submissions (3):

Women's Health and Genetics/Laboratory Corporation of America, LabCorp
Classification: Likely benign. Last evaluated: 2026-03-30. Review status: criteria provided, single submitter. Criteria: LabCorp Variant Classification Summary - May 2015. Collection method: clinical testing. Allele origin: germline.
Comment: Variant summary: BRCA2 c.7005T>C (p.Phe2335Phe) alters a non-conserved nucleotide located close to a canonical splice site and therefore could affect mRNA splicing, leading to a significantly altered protein sequence. Consensus agreement among computation tools predict no significant impact on normal splicing. However, these predictions have yet to be confirmed by functional studies. The variant was absent in 247890 control chromosomes. The available data on variant occurrences in the general population are insufficient to allow any conclusion about variant significance. To our knowledge, no occurrence of c.7005T>C in individuals affected with Hereditary Breast And Ovarian Cancer Syndrome has been reported. At least one publication reports experimental evidence evaluating an impact on protein function (Sahu_2023). These results showed no damaging effect of this variant. The following publication have been ascertained in the context of this evaluation (PMID: 37713444). ClinVar contains an entry for this variant (Variation ID: 1153736). Based on the evidence outlined above, the variant was classified as likely benign.

Ambry Genetics
Classification: Likely benign for Hereditary cancer-predisposing syndrome. Last evaluated: 2025-02-05. Review status: criteria provided, single submitter. Criteria: Ambry Variant Classification Scheme 2023. Collection method: clinical testing. Allele origin: germline.

Labcorp Genetics (formerly Invitae), Labcorp
Classification: Likely benign for Hereditary breast ovarian cancer syndrome. Last evaluated: 2024-11-11. Review status: criteria provided, single submitter. Criteria: Invitae Variant Classification Sherloc (09022015). Collection method: clinical testing. Allele origin: germline.

Literature cited by the submitters: PubMed 37713444 (cited by Women's Health and Genetics/Laboratory Corporation of America, LabCorp).

NM_000059.4(BRCA2):c.7005T>C (p.Phe2335=)

Gene: BRCA2 (BRCA2 DNA repair associated; plus strand). Cytogenetic location: 13q13.1.
Variant type: single nucleotide variant.
Coding change: c.7005T>C on transcript NM_000059.4 (MANE Select); coding-DNA position 7005, T replaced by C.
Protein change: p.Phe2335=; no amino-acid change (phenylalanine 2335 retained).
Molecular consequence: synonymous variant.
Genome position (GRCh38, 1-based): chr13:32,346,894, T>C. VCF-style: chr13-32346894-T-C. GRCh37 (hg19) VCF-style: chr13-32921031-T-C.
Other names: c.7005T>C (NM_000059.3).
Identifiers: ClinVar variation 1153736 (VCV001153736.13), dbSNP rs1261716229, ClinGen allele CA483275801.